The following is an entry in ClinVar:

ClinVar aggregate classification (germline): Likely pathogenic (1 of 4 stars; one submission).

Conditions:
Hereditary breast ovarian cancer syndrome. Also called: Hereditary breast and ovarian cancer syndrome; Hereditary breast and ovarian cancer; Hereditary breast and ovarian cancer syndrome (HBOC); Breast and ovarian cancer; Hereditary breast and/or ovarian cancer syndrome; BRCA1- and BRCA2-Associated Hereditary Breast and Ovarian Cancer. Identifiers: Orphanet 145, MedGen C0677776, MeSH D061325, MONDO:0003582. Disease mechanism: loss of function.

Submission:

Labcorp Genetics (formerly Invitae), Labcorp
Classification: Likely pathogenic for Hereditary breast ovarian cancer syndrome. Last evaluated: 2020-02-27. Review status: criteria provided, single submitter. Criteria: Invitae Variant Classification Sherloc (09022015). Collection method: clinical testing. Allele origin: unknown.
Comment: In summary, the currently available evidence indicates that the variant is pathogenic, but additional data are needed to prove that conclusively. Therefore, this variant has been classified as Likely Pathogenic. Loss-of-function variants in BRCA2 are known to be pathogenic (PMID: 20104584). This variant has not been reported in the literature in individuals with BRCA2-related conditions. This variant is a deletion of the genomic region encompassing exons 12-16 and part of exon 11 (c.3406_7805+386del) of the BRCA2 gene. It is expected to disrupt RNA splicing and likely results in an absent or disrupted protein product.

Literature cited by the submitters: PubMed 20104584.

NC_000013.10:g.(?_32911898)_(32932452_?)del

Gene: BRCA2 (BRCA2 DNA repair associated; plus strand). Cytogenetic location: 13q13.1.
Variant type: Deletion.
Identifiers: ClinVar variation 3244184 (VCV003244184.1).